The following is an entry in ClinVar:

ClinVar aggregate classification (germline): Conflicting classifications of pathogenicity. Review status: criteria provided, conflicting classifications (1 of 4 stars). 4 submissions from 4 submitters: Likely pathogenic (2); Uncertain significance (2). Last evaluated 2026-04-28.

Conditions:
PKD1-related disorder. Also called: PKD1-related condition.
Polycystic kidney disease, adult type (PKD1). Also called: POLYCYSTIC KIDNEY DISEASE 1 WITH OR WITHOUT POLYCYSTIC LIVER DISEASE; Polycystic Kidney, Autosomal Dominant; Polycystic Kidney Disease 1, Autosomal Dominant; Polycystic kidney disease 1; Polycystic kidney disease 1, severe; POLYCYSTIC KIDNEY DISEASE, ADULT, TYPE I. Identifiers: MedGen C3149841, MONDO:0008263, OMIM 173900.

Submissions (4):

Women's Health and Genetics/Laboratory Corporation of America, LabCorp
Classification: Likely pathogenic for Polycystic kidney disease, adult type. Last evaluated: 2026-04-28. Review status: criteria provided, single submitter. Criteria: LabCorp Variant Classification Summary - May 2015. Collection method: clinical testing. Allele origin: germline.
Comment: Variant summary: PKD1 c.6827T>C (p.Leu2276Pro) results in a non-conservative amino acid change in the encoded protein sequence. Algorithms developed to predict the effect of missense changes on protein structure and function all suggest that this variant is likely to be disruptive. The variant was absent in 247850 control chromosomes (gnomAD). c.6827T>C has been observed in individuals affected with Polycystic Kidney Disease 1 (e.g. Trujillano_2014, He_2018, Giovanelle_2026), including one family where it was reported to segregate with the disease. These data indicate that the variant is likely to be associated with disease. To our knowledge, no experimental evidence demonstrating an impact on protein function has been reported. The following publications have been ascertained in the context of this evaluation (PMID: 25333066, 30333007, 40533884). ClinVar contains an entry for this variant (Variation ID: 586290). Based on the evidence outlined above, the variant was classified as likely pathogenic.

GeneDx
Classification: Uncertain significance. Last evaluated: 2024-11-18. Review status: criteria provided, single submitter. Criteria: GeneDx Variant Classification Process June 2021. Collection method: clinical testing. Allele origin: germline. Affected: yes.
Comment: Not observed at significant frequency in large population cohorts (gnomAD); In silico analysis supports that this missense variant has a deleterious effect on protein structure/function; This variant is associated with the following publications: (PMID: 25333066, 30333007)

PreventionGenetics, part of Exact Sciences
Classification: Likely pathogenic for PKD1-related condition. Last evaluated: 2023-09-06. Review status: criteria provided, single submitter. Criteria: ACMG Guidelines, 2015. Collection method: clinical testing. Allele origin: germline.
Comment: The PKD1 c.6827T>C variant is predicted to result in the amino acid substitution p.Leu2276Pro. This variant was reported in unrelated individuals with polycystic kidney disease (Trujillano et al. 2014. PubMed ID: 25333066; He et al. 2018. PubMed ID: 30333007). Of note, this variant was reported to be segregated with disease in He et al. study. This variant has not been reported in a large population database, indicating this variant is rare. This variant is interpreted as likely pathogenic.

Athena Diagnostics
Classification: Uncertain significance. Last evaluated: 2020-04-16. Review status: criteria provided, single submitter. Criteria: Athena Diagnostics Criteria. Collection method: clinical testing. Allele origin: unknown.

Literature cited by the submitters: PubMed 25333066 (cited by Women's Health and Genetics/Laboratory Corporation of America, LabCorp and Athena Diagnostics); PubMed 30333007 (cited by Women's Health and Genetics/Laboratory Corporation of America, LabCorp and Athena Diagnostics); PubMed 40533884 (cited by Women's Health and Genetics/Laboratory Corporation of America, LabCorp).

NM_001009944.3(PKD1):c.6827T>C (p.Leu2276Pro)

Gene: PKD1 (polycystin 1, transient receptor potential channel interacting; minus strand). Cytogenetic location: 16p13.3.
Variant type: single nucleotide variant.
Coding change: c.6827T>C on transcript NM_001009944.3 (MANE Select); coding-DNA position 6827, T replaced by C.
Protein change: p.Leu2276Pro; replaces leucine 2276 with proline.
Molecular consequence: missense variant.
Genome position (GRCh38, 1-based): chr16:2,108,340, A>G on the plus strand (T>C on the coding strand, the complement: PKD1 is on the minus strand). VCF-style: chr16-2108340-A-G. GRCh37 (hg19) VCF-style: chr16-2158341-A-G.
Other names: c.6827T>C, p.Leu2276Pro (NM_000296.4); short protein forms L2276P.
Identifiers: ClinVar variation 586290 (VCV000586290.9), dbSNP rs1567191044, ClinGen allele CA394372818.